The following is an entry in ClinVar:

NM_032444.4(SLX4):c.1809G>A (p.Ser603=)

Gene: SLX4 (SLX4 structure-specific endonuclease subunit; minus strand). Cytogenetic location: 16p13.3.
Variant type: single nucleotide variant.
Coding change: c.1809G>A on transcript NM_032444.4 (MANE Select); coding-DNA position 1809, G replaced by A.
Protein change: p.Ser603=; no amino-acid change (serine 603 retained).
Molecular consequence: synonymous variant.
Genome position (GRCh38, 1-based): chr16:3,596,268, C>T on the plus strand (G>A on the coding strand, the complement: SLX4 is on the minus strand). VCF-style: chr16-3596268-C-T. GRCh37 (hg19) VCF-style: chr16-3646269-C-T.
Other names: c.1809G>A (LRG_503t1).
Identifiers: ClinVar variation 414708 (VCV000414708.36), dbSNP rs565202250, ClinGen allele CA7866402.

ClinVar aggregate classification (germline): Likely benign. Review status: criteria provided, multiple submitters, no conflicts (2 of 4 stars). 3 submissions from 3 submitters: Likely benign (3). Last evaluated 2025-09-28.

Conditions:
Fanconi anemia (FA). Also called: Fanconi's anemia. Identifiers: Orphanet 84, MedGen C0015625, MeSH D005199, MONDO:0019391.

Allele frequency attached by ClinVar (database versions not stated): TOPMed 0.00006; gnomAD exomes 0.00012 and 0.00020; gnomAD 0.00017 and 0.00020; ExAC 0.00054; 1000 Genomes Project 30x 0.00062; 1000 Genomes Project 0.00080.
gnomAD v4.1: 199 of 1,563,080 alleles (0.013%); highest among the groups gnomAD compares: South Asian, 0.042%; 1 homozygote.

Submissions (3):

Labcorp Genetics (formerly Invitae), Labcorp
Classification: Likely benign for Fanconi anemia. Last evaluated: 2025-09-28. Review status: criteria provided, single submitter. Criteria: Invitae Variant Classification Sherloc (09022015). Collection method: clinical testing. Allele origin: germline.

CeGaT Center for Human Genetics Tuebingen
Classification: Likely benign. Last evaluated: 2025-01-01. Review status: criteria provided, single submitter. Criteria: CeGaT Center For Human Genetics Tuebingen Variant Classification Criteria Version 2. Collection method: clinical testing. Allele origin: germline. Affected: yes. Observed: 3 variant alleles.
Comment: SLX4: BP4, BP7

Blueprint Genetics
Classification: Likely benign. Last evaluated: 2024-11-26. Review status: criteria provided, single submitter. Criteria: ACMG Guidelines, 2015. Collection method: clinical testing. Allele origin: germline.